The following is an entry in ClinVar:

NM_005465.7(AKT3):c.404C>T (p.Ala135Val)

Gene: AKT3 (AKT serine/threonine kinase 3; minus strand). Cytogenetic location: 1q44.
Variant type: single nucleotide variant.
Coding change: c.404C>T on transcript NM_005465.7 (MANE Select); coding-DNA position 404, C replaced by T.
Protein change: p.Ala135Val; replaces alanine 135 with valine.
Molecular consequence: missense variant.
Genome position (GRCh38, 1-based): chr1:243,645,918, G>A on the plus strand (C>T on the coding strand, the complement: AKT3 is on the minus strand). VCF-style: chr1-243645918-G-A. GRCh37 (hg19) VCF-style: chr1-243809220-G-A.
Other names: c.404C>T, p.Ala135Val (NM_001206729.2, NM_001370074.1, NM_181690.2); short protein forms A135V.
Identifiers: ClinVar variation 2123645 (VCV002123645.4), dbSNP rs2147846090, ClinGen allele CA345670537.

ClinVar aggregate classification (germline): Uncertain significance (1 of 4 stars; one submission).

Conditions:
Megalencephaly-polymicrogyria-polydactyly-hydrocephalus syndrome 2 (MPPH2). Also called: MEGALENCEPHALY-POLYMICROGYRIA-POLYDACTYLY-HYDROCEPHALUS SYNDROME 2, SOMATIC. Identifiers: Orphanet 83473, MedGen C4014738, MONDO:0014407, OMIM 615937.

Allele frequency attached by ClinVar (database versions not stated): gnomAD exomes below 0.00001.
gnomAD v4.1: 1 of 1,611,428 alleles (0.000062%); no homozygotes.

Submission:

Labcorp Genetics (formerly Invitae), Labcorp
Classification: Uncertain significance for Megalencephaly-polymicrogyria-polydactyly-hydrocephalus syndrome 2. Last evaluated: 2025-05-19. Review status: criteria provided, single submitter. Criteria: Invitae Variant Classification Sherloc (09022015). Collection method: clinical testing. Allele origin: germline.
Comment: This sequence change replaces alanine, which is neutral and non-polar, with valine, which is neutral and non-polar, at codon 135 of the AKT3 protein (p.Ala135Val). This variant is not present in population databases (gnomAD no frequency). This variant has not been reported in the literature in individuals affected with AKT3-related conditions. ClinVar contains an entry for this variant (Variation ID: 2123645). An algorithm developed to predict the effect of missense changes on protein structure and function (PolyPhen-2) suggests that this variant is likely to be tolerated. In summary, the available evidence is currently insufficient to determine the role of this variant in disease. Therefore, it has been classified as a Variant of Uncertain Significance.